The following is an entry in ClinVar:

NM_001080467.3(MYO5B):c.3959G>A (p.Trp1320Ter)

Gene: MYO5B (myosin VB; minus strand). Cytogenetic location: 18q21.1.
Variant type: single nucleotide variant.
Coding change: c.3959G>A on transcript NM_001080467.3 (MANE Select); coding-DNA position 3959, G replaced by A.
Protein change: p.Trp1320Ter; replaces tryptophan 1320 with a stop codon.
Molecular consequence: nonsense.
Genome position (GRCh38, 1-based): chr18:49,856,876, C>T on the plus strand (G>A on the coding strand, the complement: MYO5B is on the minus strand). VCF-style: chr18-49856876-C-T. GRCh37 (hg19) VCF-style: chr18-47383246-C-T.
Other names: short protein forms W1320*.
Identifiers: ClinVar variation 4856205 (VCV004856205.1).
Genomic context (GRCh38, chr18:49,856,876, plus strand): 5'-GCAACTTGCTTTAGGCCTTGGTAGGCCAAGCCGAGTTCTCCATCTTCATTTAAATATCCC[C>T]AATCCTCAGTCTTGCTAGAAACAAAGGACAGAAAAACAGGGTGTCCAGTGTAGACGGAAG-3'

ClinVar aggregate classification (germline): Likely pathogenic (1 of 4 stars; one submission).

Conditions:
Cholestasis, progressive familial intrahepatic, 10 (PFIC10). Identifiers: MedGen C5676981, MONDO:0030810, OMIM 619868.

gnomAD v4.1: 1 of 1,614,122 alleles (0.000062%); highest among the groups gnomAD compares: Non-Finnish European, 0.000085%; no homozygotes.

Submission:

3billion
Classification: Likely pathogenic for Cholestasis, progressive familial intrahepatic, 10. Last evaluated: 2026-01-25. Review status: criteria provided, single submitter. Criteria: ACMG Guidelines, 2015. Collection method: clinical testing. Allele origin: germline. Affected: yes.
Comment: The variant is observed at an extremely low frequency in the gnomAD v4.1.0 dataset (total allele frequency: <0.001%). Predicted Consequence/Location: Stop-gained (nonsense): predicted to result in a loss or disruption of normal protein function through nonsense-mediated decay (NMD) or protein truncation. Multiple pathogenic variants are reported downstream of the variant. Therefore, this variant is classified as Likely pathogenic according to the recommendation of ACMG/AMP guideline.